The following is an entry in ClinVar:

NM_001040108.2(MLH3):c.2531C>T (p.Pro844Leu)

Gene: MLH3 (mutL homolog 3; minus strand). Cytogenetic location: 14q24.3.
Variant type: single nucleotide variant.
Coding change: c.2531C>T on transcript NM_001040108.2 (MANE Select); coding-DNA position 2531, C replaced by T.
Protein change: p.Pro844Leu; replaces proline 844 with leucine.
Molecular consequence: missense variant.
Genome position (GRCh38, 1-based): chr14:75,047,125, G>A on the plus strand (C>T on the coding strand, the complement: MLH3 is on the minus strand). VCF-style: chr14-75047125-G-A. GRCh37 (hg19) VCF-style: chr14-75513828-G-A.
Other names: c.2531C>T, p.Pro844Leu (NM_014381.3); short protein forms P844L.
Identifiers: ClinVar variation 257252 (VCV000257252.29), dbSNP rs175080, ClinGen allele CA7275688.

ClinVar aggregate classification (germline): Benign/Likely benign. Review status: criteria provided, multiple submitters, no conflicts (2 of 4 stars). 14 submissions from 13 submitters: Benign (10); Likely benign (1). 3 of the submissions do not count toward it. Last evaluated 2026-05-05.

Conditions:
Hereditary cancer-predisposing syndrome. Also called: Hereditary Cancer Syndrome; Tumor predisposition; Hereditary neoplastic syndrome; Neoplastic Syndromes, Hereditary. Identifiers: Orphanet 140162, MedGen C0027672, MeSH D009386, MONDO:0015356.
Endometrial carcinoma. Also called: Endometrial carcinoma, somatic. Identifiers: MedGen C0476089, MONDO:0002447, OMIM 608089, HP:0012114.
Colorectal cancer, hereditary nonpolyposis, type 7. Identifiers: Orphanet 144, MedGen C1858380, MONDO:0013725, OMIM 614385.

Allele frequency attached by ClinVar (database versions not stated): 1000 Genomes Project 0.36382; 1000 Genomes Project 30x 0.36852; gnomAD exomes 0.40365; TOPMed 0.41079; ExAC 0.41264; gnomAD 0.42191 and 0.42416; ESP Exome Variant Server 0.44264.
gnomAD v4.1: 719,970 of 1,613,336 alleles (45%); highest among the groups gnomAD compares: Middle Eastern, 49%; 164,611 homozygotes.

Submissions (14):

Myriad Genetics, Inc.
Classification: Benign for Colorectal cancer, hereditary nonpolyposis, type 7. Last evaluated: 2026-05-05. Review status: criteria provided, single submitter. Criteria: Myriad Autosomal Dominant, Autosomal Recessive and X-Linked Classification Criteria (2023). Collection method: clinical testing. Allele origin: unknown.
Comment: This variant is considered benign. This variant has been observed at a population frequency that is significantly greater than expected given the associated disease prevalence and penetrance.

Labcorp Genetics (formerly Invitae), Labcorp
Classification: Benign for Colorectal cancer, hereditary nonpolyposis, type 7. Last evaluated: 2026-02-04. Review status: criteria provided, single submitter. Criteria: Invitae Variant Classification Sherloc (09022015). Collection method: clinical testing. Allele origin: germline.

KCCC/NGS Laboratory, Kuwait Cancer Control Center
Classification: Benign for Endometrial carcinoma. Last evaluated: 2025-02-01. Review status: criteria provided, single submitter. Criteria: ACMG Guidelines, 2015. Collection method: clinical testing. Allele origin: germline. Affected: no.

Blueprint Genetics
Classification: Likely benign. Last evaluated: 2024-11-27. Review status: criteria provided, single submitter. Criteria: ACMG Guidelines, 2015. Collection method: clinical testing. Allele origin: germline.

Hereditary Cancer Laboratory, Hospital Universitario 12 de Octubre
Classification: Benign for Hereditary cancer-predisposing syndrome. Last evaluated: 2024-08-25. Review status: criteria provided, single submitter. Criteria: ACMG Guidelines, 2015. Collection method: clinical testing. Allele origin: germline.
Comment: BA1+BP6

KCCC/NGS Laboratory, Kuwait Cancer Control Center
Classification: Benign for Colorectal cancer, hereditary nonpolyposis, type 7. Last evaluated: 2023-07-07. Review status: criteria provided, single submitter. Criteria: ACMG Guidelines, 2015. Collection method: clinical testing. Allele origin: germline. Affected: yes.

Ambry Genetics
Classification: Benign. Last evaluated: 2020-07-28. Review status: criteria provided, single submitter. Criteria: Ambry Variant Classification Scheme 2023. Collection method: clinical testing. Allele origin: germline.

GeneDx
Classification: Benign. Last evaluated: 2018-06-22. Review status: criteria provided, single submitter. Criteria: GeneDx Variant Classification Process June 2021. Collection method: clinical testing. Allele origin: germline. Affected: yes.
Comment: This variant is associated with the following publications: (PMID: 19808033)

Illumina Laboratory Services, Illumina
Classification: Benign for Colorectal cancer, hereditary nonpolyposis, type 7. Last evaluated: 2018-01-13. Review status: criteria provided, single submitter. Criteria: ICSL Variant Classification Criteria 13 December 2019. Collection method: clinical testing. Allele origin: germline.
Comment: This variant was observed in the ICSL laboratory as part of a predisposition screen in an ostensibly healthy population. It had not been previously curated by ICSL or reported in the Human Gene Mutation Database (HGMD: prior to June 1st, 2018), and was therefore a candidate for classification through an automated scoring system. Utilizing variant allele frequency, disease prevalence and penetrance estimates, and inheritance mode, an automated score was calculated to assess if this variant is too frequent to cause the disease. Based on the score and internal cut-off values, a variant classified as benign is not then subjected to further curation. The score for this variant resulted in a classification of benign for this disease.

Breakthrough Genomics
Classification: Benign. Review status: criteria provided, single submitter. Criteria: ACMG Guidelines, 2015. Collection method: not provided. Allele origin: germline. Inheritance: Autosomal dominant inheritance. Affected: yes.

PreventionGenetics, part of Exact Sciences
Classification: Benign. Review status: criteria provided, single submitter. Criteria: ACMG Guidelines, 2015. Collection method: clinical testing. Allele origin: germline.

Clinical Genetics, Academic Medical Center
Classification: Benign. Review status: no assertion criteria provided. Collection method: clinical testing. Allele origin: germline. Affected: yes. Study: VKGL Data-share Consensus. Not counted in ClinVar's aggregate classification.

Diagnostic Laboratory, Department of Genetics, University Medical Center Groningen
Classification: Benign. Review status: no assertion criteria provided. Collection method: clinical testing. Allele origin: germline. Affected: yes. Study: VKGL Data-share Consensus. Not counted in ClinVar's aggregate classification.

Mayo Clinic Laboratories, Mayo Clinic
Classification: Benign. Review status: no assertion criteria provided. Collection method: clinical testing. Allele origin: unknown. Not counted in ClinVar's aggregate classification.